The following is an entry in ClinVar:

ClinVar aggregate classification (germline): Conflicting classifications of pathogenicity. Review status: criteria provided, conflicting classifications (1 of 4 stars). 2 submissions from 2 submitters: Uncertain significance (1); Likely benign (1). Last evaluated 2025-01-02.

Conditions:
Hereditary cancer-predisposing syndrome. Also called: Neoplastic Syndromes, Hereditary; Tumor predisposition; Hereditary Cancer Syndrome; Hereditary neoplastic syndrome. Identifiers: Orphanet 140162, MedGen C0027672, MeSH D009386, MONDO:0015356.
Renal cell carcinoma. Identifiers: Orphanet 217071, MedGen C0007134, MeSH D002292, MONDO:0005086, HP:0005584.

gnomAD v4.1: 1 of 1,613,974 alleles (0.000062%); highest among the groups gnomAD compares: Non-Finnish European, 0.000085%; no homozygotes.

Submissions (2):

Ambry Genetics
Classification: Likely benign for Hereditary cancer-predisposing syndrome. Last evaluated: 2025-01-02. Review status: criteria provided, single submitter. Criteria: Ambry Variant Classification Scheme 2023. Collection method: clinical testing. Allele origin: germline.

Labcorp Genetics (formerly Invitae), Labcorp
Classification: Uncertain significance for Renal cell carcinoma. Last evaluated: 2022-12-03. Review status: criteria provided, single submitter. Criteria: Invitae Variant Classification Sherloc (09022015). Collection method: clinical testing. Allele origin: germline.
Comment: In summary, the available evidence is currently insufficient to determine the role of this variant in disease. Therefore, it has been classified as a Variant of Uncertain Significance. Advanced modeling of protein sequence and biophysical properties (such as structural, functional, and spatial information, amino acid conservation, physicochemical variation, residue mobility, and thermodynamic stability) has been performed at Invitae for this missense variant, however the output from this modeling did not meet the statistical confidence thresholds required to predict the impact of this variant on MET protein function. This variant has not been reported in the literature in individuals affected with MET-related conditions. This variant is not present in population databases (gnomAD no frequency). This sequence change replaces serine, which is neutral and polar, with phenylalanine, which is neutral and non-polar, at codon 203 of the MET protein (p.Ser203Phe).

NM_000245.4(MET):c.608C>T (p.Ser203Phe)

Gene: MET (MET proto-oncogene, receptor tyrosine kinase; plus strand). Cytogenetic location: 7q31.2.
Variant type: single nucleotide variant.
Coding change: c.608C>T on transcript NM_000245.4 (MANE Select); coding-DNA position 608, C replaced by T.
Protein change: p.Ser203Phe; replaces serine 203 with phenylalanine.
Molecular consequence: missense variant. On other transcripts: intron variant (1).
Genome position (GRCh38, 1-based): chr7:116,699,692, C>T. VCF-style: chr7-116699692-C-T. GRCh37 (hg19) VCF-style: chr7-116339746-C-T.
Other names: c.-91+27115C>T (NM_001324402.2); c.608C>T, p.Ser203Phe (NM_001127500.3, NM_001324401.3); short protein forms S203F.
Identifiers: ClinVar variation 2818230 (VCV002818230.4), dbSNP rs2116593187, ClinGen allele CA368969453.
Genomic context (GRCh38, chr7:116,699,692, plus strand): 5'-AAGTCCTTTCATCTGTAAAGGACCGGTTCATCAACTTCTTTGTAGGCAATACCATAAATT[C>T]TTCTTATTTCCCAGATCATCCATTGCATTCGATATCAGTGAGAAGGCTAAAGGAAACGAA-3'
Protein context (NP_000236.2, residues 193-213): INFFVGNTIN[Ser203Phe]SYFPDHPLHS